The following is an entry in ClinVar:

ClinVar aggregate classification (germline): Benign. Review status: criteria provided, multiple submitters, no conflicts (2 of 4 stars). 2 submissions from 2 submitters: Benign (2). Last evaluated 2018-07-13.

Allele frequency attached by ClinVar (database versions not stated): 1000 Genomes Project 0.72504; ExAC 0.72797; 1000 Genomes Project 30x 0.72845; gnomAD exomes 0.73068 and 0.73629; gnomAD 0.75053 and 0.75844; ESP Exome Variant Server 0.75443; TOPMed 0.76767.
gnomAD v4.1: 1,188,993 of 1,611,468 alleles (74%); highest among the groups gnomAD compares: Admixed American, 82%; 441,221 homozygotes.

Submissions (2):

GeneDx
Classification: Benign. Last evaluated: 2018-07-13. Review status: criteria provided, single submitter. Criteria: GeneDx Variant Classification Process June 2021. Collection method: clinical testing. Allele origin: germline. Affected: yes.
Comment: This variant is associated with the following publications: (PMID: 29632382)

Breakthrough Genomics
Classification: Benign. Review status: criteria provided, single submitter. Criteria: ACMG Guidelines, 2015. Collection method: not provided. Allele origin: germline. Inheritance: Unknown mechanism. Affected: yes.

NM_001001852.4(PIM3):c.899T>C (p.Val300Ala)

Gene: PIM3 (Pim-3 proto-oncogene, serine/threonine kinase; plus strand). Cytogenetic location: 22q13.33.
Variant type: single nucleotide variant.
Coding change: c.899T>C on transcript NM_001001852.4 (MANE Select); coding-DNA position 899, T replaced by C.
Protein change: p.Val300Ala; replaces valine 300 with alanine.
Molecular consequence: missense variant.
Genome position (GRCh38, 1-based): chr22:49,963,045, T>C. VCF-style: chr22-49963045-T-C. GRCh37 (hg19) VCF-style: chr22-50356693-T-C.
Other names: short protein forms V300A.
Identifiers: ClinVar variation 1247424 (VCV001247424.3), dbSNP rs4077129, ClinGen allele CA10301731.